The following is an entry in ClinVar:

ClinVar aggregate classification (germline): Likely pathogenic (1 of 4 stars; one submission).

Conditions:
Hereditary cancer-predisposing syndrome. Also called: Hereditary neoplastic syndrome; Tumor predisposition; Hereditary Cancer Syndrome; Neoplastic Syndromes, Hereditary. Identifiers: Orphanet 140162, MedGen C0027672, MeSH D009386, MONDO:0015356.

Submission:

Ambry Genetics
Classification: Likely pathogenic for Hereditary cancer-predisposing syndrome. Last evaluated: 2023-07-07. Review status: criteria provided, single submitter. Criteria: Ambry Variant Classification Scheme 2023. Collection method: clinical testing. Allele origin: germline.
Comment: The c.1030+1G>A intronic variant results from a G to A substitution one nucleotide after coding exon 11 of the CDC73 gene. This nucleotide position is highly conserved in available vertebrate species. In silico splice site analysis predicts that this alteration will weaken the native splice donor site. RNA studies have demonstrated that this alteration results in abnormal splicing in the set of samples tested (Ambry internal data). Alterations that disrupt the canonical splice site are expected to cause aberrant splicing, resulting in an abnormal protein or a transcript that is subject to nonsense-mediated mRNA decay. As such, this alteration is classified as likely pathogenic.

NM_024529.5(CDC73):c.1030+1G>A

Gene: CDC73 (cell division cycle 73; plus strand). Cytogenetic location: 1q31.2.
Variant type: single nucleotide variant.
Coding change: c.1030+1G>A on transcript NM_024529.5 (MANE Select); the canonical splice donor site of the intron after coding-DNA position 1030, G replaced by A.
Molecular consequence: splice donor variant.
Genome position (GRCh38, 1-based): chr1:193,203,853, G>A. VCF-style: chr1-193203853-G-A. GRCh37 (hg19) VCF-style: chr1-193172983-G-A.
Identifiers: ClinVar variation 2585774 (VCV002585774.2), dbSNP rs2527440253, ClinGen allele CA344076192.
Genomic context (GRCh38, chr1:193,203,853, plus strand): 5'-AGGAGGGTGCATCTGCCCGGAAGACTCAGACTCCTGCAGCCCAGCCAGTACCAAGACCAG[G>A]TAGAAATATAGAACTTTGCTTTTTGTTTTCTTTCAAAAGATCGTAACAGTGCAAGTTTTT-3'